The following is an entry in ClinVar:

ClinVar aggregate classification (germline): Uncertain significance (1 of 4 stars; one submission).

gnomAD v4.1: 5 of 1,613,922 alleles (0.00031%); highest among the groups gnomAD compares: Non-Finnish European, 0.00042%; no homozygotes.

Submission:

Labcorp Genetics (formerly Invitae), Labcorp
Classification: Uncertain significance. Last evaluated: 2025-09-04. Review status: criteria provided, single submitter. Criteria: Invitae Variant Classification Sherloc (09022015). Collection method: clinical testing. Allele origin: germline.
Comment: This sequence change replaces glutamine, which is neutral and polar, with glutamic acid, which is acidic and polar, at codon 674 of the REST protein (p.Gln674Glu). This variant is present in population databases (no rsID available, gnomAD 0.0009%). This variant has not been reported in the literature in individuals affected with REST-related conditions. An algorithm developed to predict the effect of missense changes on protein structure and function outputs the following: PolyPhen-2: "Benign". The glutamic acid amino acid residue is found in multiple mammalian species, which suggests that this missense change does not adversely affect protein function. In summary, the available evidence is currently insufficient to determine the role of this variant in disease. Therefore, it has been classified as a Variant of Uncertain Significance.

NM_005612.5(REST):c.2020C>G (p.Gln674Glu)

Gene: REST (RE1 silencing transcription factor; plus strand). Cytogenetic location: 4q12.
Variant type: single nucleotide variant.
Coding change: c.2020C>G on transcript NM_005612.5 (MANE Select); coding-DNA position 2020, C replaced by G.
Protein change: p.Gln674Glu; replaces glutamine 674 with glutamic acid.
Molecular consequence: missense variant.
Genome position (GRCh38, 1-based): chr4:56,930,878, C>G. VCF-style: chr4-56930878-C-G. GRCh37 (hg19) VCF-style: chr4-57797044-C-G.
Other names: c.2020C>G, p.Gln674Glu (NM_001193508.2, NM_001363453.3); c.1936C>G, p.Gln646Glu (NM_001440532.1, NM_001440533.1); short protein forms Q646E, Q674E.
Identifiers: ClinVar variation 4753371 (VCV004753371.1).